The following is an entry in ClinVar:

ClinVar aggregate classification (germline): Benign/Likely benign. Review status: criteria provided, multiple submitters, no conflicts (2 of 4 stars). 2 submissions from 2 submitters: Benign (1); Likely benign (1). Last evaluated 2025-06-22.

Allele frequency attached by ClinVar (database versions not stated): 1000 Genomes Project 30x 0.00016; ExAC 0.00018; 1000 Genomes Project 0.00020.
gnomAD v4.1: 144 of 1,610,448 alleles (0.0089%); highest among the groups gnomAD compares: East Asian, 0.047%; 2 homozygotes.

Submissions (2):

Labcorp Genetics (formerly Invitae), Labcorp
Classification: Benign. Last evaluated: 2025-06-22. Review status: criteria provided, single submitter. Criteria: Invitae Variant Classification Sherloc (09022015). Collection method: clinical testing. Allele origin: germline.

CeGaT Center for Human Genetics Tuebingen
Classification: Likely benign. Last evaluated: 2025-06-01. Review status: criteria provided, single submitter. Criteria: CeGaT Center For Human Genetics Tuebingen Variant Classification Criteria Version 2. Collection method: clinical testing. Allele origin: germline. Affected: yes. Observed: 1 variant allele.
Comment: KMT2B: BP4, BP7

NM_014727.3(KMT2B):c.6195C>T (p.Asp2065=)

Gene: KMT2B (lysine methyltransferase 2B; plus strand). Cytogenetic location: 19q13.12.
Variant type: single nucleotide variant.
Coding change: c.6195C>T on transcript NM_014727.3 (MANE Select); coding-DNA position 6195, C replaced by T.
Protein change: p.Asp2065=; no amino-acid change (aspartic acid 2065 retained).
Molecular consequence: synonymous variant.
Genome position (GRCh38, 1-based): chr19:35,732,744, C>T. VCF-style: chr19-35732744-C-T. GRCh37 (hg19) VCF-style: chr19-36223645-C-T.
Identifiers: ClinVar variation 2192956 (VCV002192956.12), dbSNP rs185724346, ClinGen allele CA9385630.